The following is an entry in ClinVar:

ClinVar aggregate classification (germline): Uncertain significance (1 of 4 stars; one submission).

Conditions:
Cardiovascular phenotype. Identifiers: MedGen CN230736.

Submission:

Ambry Genetics
Classification: Uncertain significance for Cardiovascular phenotype. Last evaluated: 2023-07-19. Review status: criteria provided, single submitter. Criteria: Ambry Variant Classification Scheme 2023. Collection method: clinical testing. Allele origin: germline.
Comment: The c.4645-1G>C intronic variant results from a G to C substitution one nucleotide before coding exon 32 of the MYH7 gene. This nucleotide position is highly conserved in available vertebrate species. In silico splice site analysis predicts that this alteration will weaken the native splice acceptor site and will result in the creation or strengthening of a novel splice acceptor site. Alterations that disrupt the canonical splice site are expected to cause aberrant splicing, resulting in an abnormal protein or a transcript that is subject to nonsense-mediated mRNA decay. However, loss of function of MYH7 has not been established as a mechanism of disease. Since supporting evidence is limited at this time, the clinical significance of this alteration remains unclear.

NM_000257.4(MYH7):c.4645-1G>C

Genes: MHRT (myosin heavy chain associated RNA transcript; plus strand), MYH7 (myosin heavy chain 7; minus strand), LOC126861897 (BRD4-independent group 4 enhancer GRCh37_chr14:23884455-23885654; plus strand). Cytogenetic location: 14q11.2.
Variant type: single nucleotide variant.
Coding change: c.4645-1G>C on transcript NM_000257.4 (MANE Select); the canonical splice acceptor site of the intron before coding-DNA position 4645, G replaced by C.
Molecular consequence: splice acceptor variant.
Genome position (GRCh38, 1-based): chr14:23,416,313, C>G on the plus strand (G>C on the coding strand, the complement: MYH7 is on the minus strand). VCF-style: chr14-23416313-C-G. GRCh37 (hg19) VCF-style: chr14-23885522-C-G.
Other names: c.4645-1G>C (NM_001407004.1).
Identifiers: ClinVar variation 2625314 (VCV002625314.2), dbSNP rs2502246065, ClinGen allele CA389037945.